The following is an entry in ClinVar:

ClinVar aggregate classification (germline): Pathogenic. Review status: criteria provided, multiple submitters, no conflicts (2 of 4 stars). 16 submissions from 16 submitters: Pathogenic (14). 2 of the submissions do not count toward it. Last evaluated 2026-05-29.
ClinVar aggregate classification (somatic clinical impact): Tier I - Strong (1 of 4 stars; one submission).
ClinVar aggregate classification (oncogenicity): Oncogenic (1 of 4 stars; one submission).

Conditions:
Hereditary retinoblastoma. Identifiers: Orphanet 357027, MedGen C0751483, MONDO:0018160.
Malignant tumor of urinary bladder. Also called: Urinary bladder cancer; Urinary Bladder Neoplasms; Bladder cancer. Identifiers: MedGen C0005684, MONDO:0001187, OMIM 109800.
Retinoblastoma (RB1). Also called: RETINOBLASTOMA, SOMATIC. Identifiers: Orphanet 790, MedGen C0035335, MeSH D012175, MONDO:0008380, OMIM 180200, HP:0009919. Disease mechanism: loss of function. Inheritance: Both sporadic and heritable forms are tested..
Bone osteosarcoma. Also called: Osteosarcoma, somatic. Identifiers: Orphanet 668, MedGen C0585442, MONDO:0002629, OMIM 259500.
Small cell lung carcinoma. Also called: Lung oat cell carcinoma; Small cell lung cancer; SMALL CELL CANCER OF THE LUNG, SOMATIC. Identifiers: Orphanet 70573, MedGen C0149925, MeSH D055752, MONDO:0008433, OMIM 182280, HP:0030357.
Hereditary cancer-predisposing syndrome. Also called: Neoplastic Syndromes, Hereditary; Hereditary Cancer Syndrome; Tumor predisposition; Hereditary neoplastic syndrome. Identifiers: Orphanet 140162, MedGen C0027672, MeSH D009386, MONDO:0015356.
Neoplasm. Also called: Neoplasms; Neoplasm (disease); tumor. Identifiers: MedGen C0027651, MeSH D009369, MONDO:0005070, HP:0002664.

Allele frequency attached by ClinVar (database versions not stated): ExAC 0.00001.

Submissions 1 to 11 of 21:

Diller/Parad Lab, Dana-Farber/Harvard Cancer Center
Classification: Pathogenic for Retinoblastoma. Last evaluated: 2026-05-29. Review status: criteria provided, single submitter. Criteria: ACMG Guidelines, 2015. Collection method: research. Allele origin: germline. Affected: yes. Observed: 2 variant alleles.
Comment: It has been classified as Pathogenic using Richards et al (PMID:25741868) based on the following evidence codes: PM2, PVS1, PP3, .

Ramesar Group, Division of Human Genetics, Institute of Infectious Diseases and Molecular Medicine, UCT/MRC Genomic and Precision Medicine Research Unit, University of Cape Town
Classification: Pathogenic for Hereditary retinoblastoma. Last evaluated: 2025-09-17. Review status: criteria provided, single submitter. Criteria: ACMG Guidelines, 2015. Collection method: research. Allele origin: germline. Affected: yes. Observed: 3 variant alleles.
Comment: PVS1: Null variant (canonical +1 splice site) in a gene (RB1) where LOF is a known mechanism of disease PM2: Absent from gnomAD and ExAC PP3: SpliceAI informs an acceptor loss and donor loss score of 0.63 and 0.98, respectively PP4: Patient 1 presents with unilateral retinoblastoma and patient 2 and 3 present with bilateral retinoblastoma PP5: Reported as pathogenic in ClinVar and the LOVD

Center for Genomic Medicine, Rigshospitalet, Copenhagen University Hospital
Classification: Oncogenic for Neoplasm. Last evaluated: 2025-03-04. Review status: criteria provided, single submitter. Criteria: ClinGen/CGC/VICC Guidelines for Oncogenicity, 2022. Collection method: clinical testing. Allele origin: somatic. Affected: yes.

Department of Pathology and Laboratory Medicine, Sinai Health System
Classification: Pathogenic for retinoblastoma. Last evaluated: 2024-08-23. Review status: criteria provided, single submitter. Criteria: ACMG Guidelines, 2015. Collection method: clinical testing. Allele origin: germline.

Genetic Diagnostic Laboratory, University of Pennsylvania School of Medicine
Classification: Pathogenic for Retinoblastoma. Last evaluated: 2024-05-20. Review status: criteria provided, single submitter. Criteria: ACMG Guidelines, 2015. Collection method: clinical testing. Allele origin: germline. Affected: yes. Observed: 23 variant alleles.
Comment: Case and Pedigree Information: BILATERAL CASES:20, UNILATERAL CASES:3, TOTAL CASES:23, PEDIGREES:22. ACMG Codes Applied:PVS1, PM2, PS4S

Baylor Genetics
Classification: Pathogenic for Malignant tumor of urinary bladder. Last evaluated: 2023-10-26. Review status: criteria provided, single submitter. Criteria: ACMG Guidelines, 2015. Collection method: clinical testing. Allele origin: unknown.

Labcorp Genetics (formerly Invitae), Labcorp
Classification: Pathogenic for Retinoblastoma. Last evaluated: 2023-10-08. Review status: criteria provided, single submitter. Criteria: Invitae Variant Classification Sherloc (09022015). Collection method: clinical testing. Allele origin: germline.
Comment: This sequence change affects a donor splice site in intron 12 of the RB1 gene. RNA analysis indicates that disruption of this splice site induces altered splicing and may result in an absent or disrupted protein product. This variant is not present in population databases (gnomAD no frequency). Disruption of this splice site has been observed in individuals with retinoblastoma (PMID: 2601691, 12541220, 16463005, 26396485, 27582626). It has also been observed to segregate with disease in related individuals. ClinVar contains an entry for this variant (Variation ID: 126832). Studies have shown that disruption of this splice site results in skipping of exon 12 and introduces a premature termination codon (PMID: 2601691). The resulting mRNA is expected to undergo nonsense-mediated decay. For these reasons, this variant has been classified as Pathogenic.

Ambry Genetics
Classification: Pathogenic for Hereditary cancer-predisposing syndrome. Last evaluated: 2023-08-03. Review status: criteria provided, single submitter. Criteria: Ambry Variant Classification Scheme 2023. Collection method: clinical testing. Allele origin: germline.
Comment: The c.1215+1G>A intronic pathogenic mutation results from a G to A substitution one nucleotide after coding exon 12 of the RB1 gene. This alteration has been reported as a germline mutation in multiple families affected with bilateral and/or unilateral retinoblastoma (Richter S et al. Am. J. Hum. Genet. 2003 Feb;72(2):253-69; Kiran V et al. Hum. Mutat. 2003 Oct;22(4):339; Houdayer C et al. Hum. Mutat. 2004 Feb;23(2):193-202; Alonso J et al. Hum. Mutat. 2005 Jan;25(1):99; Sivakumaran T et al. Hum. Mutat. 2005 Apr;25(4):396-409; Nichols K et al. Hum. Mutat. 2005 Jun;25(6):566-74; Taylor M et al. Hum. Mutat. 2007 Mar;28(3):284-93; Abouzeid H et al. Mol. Vis. 2007 Sep;13:1740-5). Analysis of RNA from an individual with bilateral retinoblastoma carrying c.1215+1G>A demonstrated that this mutation results in the skipping of coding exon 12, leading to a frameshift and a predicted alternate stop codon (Zhang K et al. Hum. Mutat. 2008 Apr;29(4):475-84). This nucleotide position is highly conserved in available vertebrate species. In silico splice site analysis predicts that this alteration will weaken the native splice donor site. Of note, this alteration is also designated as c.1353+1G>A, IVS12+1G>A and g.70330G>A in published literature. In addition to the clinical data presented in the literature, alterations that disrupt the canonical splice site are expected to cause aberrant splicing, resulting in an abnormal protein or a transcript that is subject to nonsense-mediated mRNA decay. As such, this alteration is classified as a disease-causing mutation.

St. Jude Molecular Pathology, St. Jude Children's Research Hospital
Classification: Pathogenic for Retinoblastoma. Last evaluated: 2023-02-02. Review status: criteria provided, single submitter. Criteria: St. Jude Assertion Criteria 2020. Collection method: clinical testing. Allele origin: germline. Affected: yes.
Comment: The RB1 c.1215+1G>A intronic change results in a G to A substitution at the +1 position of intron 12 of the RB1 gene. This variant results in skipping of exon 12 resulting in nonsense-mediated decay or an abnormal protein product (PVS1). This variant has been identified in individuals with a personal and/or family history of retinoblastoma (PMID: 2601691, 12541220, 29489754, 29568217, 33456302, 34277001, internal data) and osteosarcoma (PMID: 34308366). This variant is absent in gnomAD v2.1.1. In summary, this variant meets criteria to be classified as pathogenic.

Institute for Genomic Medicine (IGM) Clinical Laboratory, Nationwide Children's Hospital
Classification: Tier I - Strong for Retinoblastoma. Assertion type: diagnostic. Clinical significance: supports diagnosis. Last evaluated: 2022-11-11. Review status: criteria provided, single submitter. Criteria: AMP/ASCO/CAP Guidelines, 2017. Collection method: clinical testing. Allele origin: somatic. Affected: yes.
Comment: Variant has Tier I (strong) clinical significance as a diagnostic inclusion criterion in retinoblastoma, based on the following evidence: 1) Documented in one or more cancer databases (e.g., St. Jude Pecan, COSMIC, CIViC, OncoKB). 2) Appears in one or more well-established professional guidelines (e.g., World Health Organization [WHO]; National Comprehensive Cancer Network [NCCN]) as providing diagnostic, prognostic, or therapeutic information. 3) Diagnostic for a specific tumor type/classification according to professional guidelines (Evidence Level A).

Genetics and Molecular Pathology, SA Pathology
Classification: Pathogenic for Retinoblastoma. Last evaluated: 2022-06-20. Review status: criteria provided, single submitter. Criteria: ACMG Guidelines, 2015. Collection method: clinical testing. Allele origin: germline. Inheritance: Autosomal dominant inheritance. Affected: yes.

NM_000321.3(RB1):c.1215+1G>A

Gene: RB1 (RB transcriptional corepressor 1; plus strand). Cytogenetic location: 13q14.2.
Variant type: single nucleotide variant.
Coding change: c.1215+1G>A on transcript NM_000321.3 (MANE Select); the canonical splice donor site of the intron after coding-DNA position 1215, G replaced by A.
Molecular consequence: splice donor variant.
Genome position (GRCh38, 1-based): chr13:48,373,493, G>A. VCF-style: chr13-48373493-G-A. GRCh37 (hg19) VCF-style: chr13-48947629-G-A.
Other names: L11910:g.70330G>A; IVS12, G-A, +1; c.1215+1G>A (NM_001407165.1, NM_001407166.1).
Identifiers: ClinVar variation 126832 (VCV000126832.32), dbSNP rs587776783, ClinGen allele CA026367.